The following is an entry in ClinVar:

NM_001267550.2(TTN):c.47412G>T (p.Arg15804Ser)

Genes: TTN (titin; minus strand), TTN-AS1 (TTN antisense RNA 1; plus strand). Cytogenetic location: 2q31.2.
Variant type: single nucleotide variant.
Coding change: c.47412G>T on transcript NM_001267550.2 (MANE Select); coding-DNA position 47412, G replaced by T.
Protein change: p.Arg15804Ser; replaces arginine 15804 with serine.
Molecular consequence: missense variant.
Genome position (GRCh38, 1-based): chr2:178,617,939, C>A on the plus strand (G>T on the coding strand, the complement: TTN is on the minus strand). VCF-style: chr2-178617939-C-A. GRCh37 (hg19) VCF-style: chr2-179482666-C-A.
Other names: p.R14163S:AGG>AGT; c.42489G>T, p.Arg14163Ser (NM_001256850.1); c.20217G>T, p.Arg6739Ser (NM_003319.4); c.39708G>T, p.Arg13236Ser (NM_133378.4); c.20592G>T, p.Arg6864Ser (NM_133432.3); c.20793G>T, p.Arg6931Ser (NM_133437.4); short protein forms R14163S, R15804S, R6931S, R6739S, R13236S, R6864S.
Identifiers: ClinVar variation 202655 (VCV000202655.1), dbSNP rs759143403, ClinGen allele CA309887.

ClinVar aggregate classification (germline): not provided (0 of 4 stars; one submission).

Allele frequency attached by ClinVar (database versions not stated): gnomAD exomes 0.00004 and 0.00010; ExAC 0.00013.
gnomAD v4.1: 62 of 1,612,720 alleles (0.0038%); highest among the groups gnomAD compares: South Asian, 0.066%; no homozygotes.

Submission:

GeneDx
No classification provided. Last evaluated: 2014-03-26. Review status: no classification provided. Criteria: GeneDx Variant Classification (06012015). Collection method: clinical testing. Allele origin: germline. Affected: yes.
Comment: Missense variants in the TTN gene are considered 'unclassified' if they are not previously reported in the literature and do not have >1% frequency in the population to be considered a polymorphism. Research indicates that truncating mutations in the TTN gene are expected to account for approximately 25% of familial and 18% of sporadic idiopathic DCM; however, truncating variants in the TTN gene have been reported in approximately 3% of reported control alleles. There has been little investigation into non-truncating variants. (Herman D et al. Truncations of titin causing dilated cardiomyopathy. N Eng J Med 366:619-628, 2012) The variant is found in CARDIOMYOPATHY panel(s).